The following is an entry in ClinVar:

ClinVar aggregate classification (germline): Likely pathogenic (1 of 4 stars; one submission).

Conditions:
Classic homocystinuria. Also called: Homocystinuria due to CBS deficiency; Cystathionine beta-synthase deficiency; CBS deficiency; Homocystinuria due to Cystathionine Beta-Synthase Deficiency; HOMOCYSTINURIA WITH OR WITHOUT RESPONSE TO PYRIDOXINE. Identifiers: Orphanet 394, MedGen C0751202, MONDO:0009352, OMIM 236200.

Submission:

Myriad Genetics, Inc.
Classification: Likely pathogenic for Classic homocystinuria. Last evaluated: 2022-05-23. Review status: criteria provided, single submitter. Criteria: Myriad Women's Health Autosomal Recessive and X-Linked Classification Criteria (2021). Collection method: clinical testing. Allele origin: unknown.
Comment: NM_000071.2(CBS):c.606dupA(H203Tfs*36) is expected to be pathogenic in the context of homocystinuria, CBS-related. This variant is predicted to lead to an abnormal or absent protein product due to the creation of a premature termination codon in CBS, a gene where loss-of-function variants are known to be pathogenic. Please note: this variant was assessed in the context of healthy population screening.

NM_000071.3(CBS):c.606dup (p.His203fs)

Gene: CBS (cystathionine beta-synthase; minus strand). Cytogenetic location: 21q22.3.
Variant type: Duplication.
Coding change: c.606dup on transcript NM_000071.3 (MANE Select); coding-DNA position 606, one base duplicated (A; older notation c.606dupA).
Protein change: p.His203fs; shifts the reading frame from histidine 203.
Molecular consequence: frameshift variant.
Genome position (GRCh38, 1-based): chr21:43,065,447, T duplicated on the plus strand (A on the coding strand, the reverse complement: CBS is on the minus strand). VCF-style (leftmost placement, unchanged base first): chr21-43065446-G-GT. GRCh37 (hg19) VCF-style: chr21-44485556-G-GT.
Other names: c.606dup, p.His203fs (NM_001178008.3, NM_001178009.3, NM_001320298.2); c.291dup, p.His98fs (NM_001321072.1); short protein forms H203fs, H98fs.
Identifiers: ClinVar variation 1726204 (VCV001726204.2), dbSNP rs2517445086, ClinGen allele CA2580099033.